The following is an entry in ClinVar:

ClinVar aggregate classification (germline): Uncertain significance. Review status: criteria provided, multiple submitters, no conflicts (2 of 4 stars). 2 submissions from 2 submitters: Uncertain significance (2). Last evaluated 2025-08-30.

Conditions:
Glycine encephalopathy. Also called: Nonketotic hyperglycinemia; Non-ketotic hyperglycinemia. Identifiers: Orphanet 407, MedGen C0751748, MONDO:0011612, HP:0008288.
Inborn genetic diseases. Identifiers: MedGen C0950123, MeSH D030342.

Allele frequency attached by ClinVar (database versions not stated): TOPMed below 0.00001.
gnomAD v4.1: 17 of 1,613,856 alleles (0.0011%); highest among the groups gnomAD compares: Non-Finnish European, 0.0013%; no homozygotes.

Submissions (2):

Ambry Genetics
Classification: Uncertain significance for Inborn genetic diseases. Last evaluated: 2025-08-30. Review status: criteria provided, single submitter. Criteria: Ambry Variant Classification Scheme 2023. Collection method: clinical testing. Allele origin: germline.

Labcorp Genetics (formerly Invitae), Labcorp
Classification: Uncertain significance for Glycine encephalopathy. Last evaluated: 2022-02-03. Review status: criteria provided, single submitter. Criteria: Invitae Variant Classification Sherloc (09022015). Collection method: clinical testing. Allele origin: germline.
Comment: This sequence change replaces leucine, which is neutral and non-polar, with histidine, which is basic and polar, at codon 26 of the AMT protein (p.Leu26His). This variant is present in population databases (no rsID available, gnomAD 0.002%). This variant has not been reported in the literature in individuals affected with AMT-related conditions. Advanced modeling of protein sequence and biophysical properties (such as structural, functional, and spatial information, amino acid conservation, physicochemical variation, residue mobility, and thermodynamic stability) performed at Invitae indicates that this missense variant is not expected to disrupt AMT protein function. In summary, the available evidence is currently insufficient to determine the role of this variant in disease. Therefore, it has been classified as a Variant of Uncertain Significance.

NM_000481.4(AMT):c.77T>A (p.Leu26His)

Genes: NICN1 (nicolin 1, tubulin polyglutamylase complex subunit; minus strand), AMT (aminomethyltransferase; minus strand). Cytogenetic location: 3p21.31.
Variant type: single nucleotide variant.
Coding change: c.77T>A on transcript NM_000481.4 (MANE Select); coding-DNA position 77, T replaced by A.
Protein change: p.Leu26His; replaces leucine 26 with histidine.
Molecular consequence: missense variant. On other transcripts: non-coding transcript variant (1), 3 prime UTR variant (1).
Genome position (GRCh38, 1-based): chr3:49,422,374, A>T on the plus strand (T>A on the coding strand, the complement: AMT is on the minus strand). VCF-style: chr3-49422374-A-T. GRCh37 (hg19) VCF-style: chr3-49459807-A-T.
Other names: c.77T>A, p.Leu26His (NM_001164710.2, NM_001164711.2, NM_001164712.2); c.*2459T>A (NM_032316.3); short protein forms L26H.
Identifiers: ClinVar variation 2044305 (VCV002044305.4), dbSNP rs1362609880, ClinGen allele CA352791399.